The following is an entry in ClinVar:

ClinVar aggregate classification (germline): Pathogenic. Review status: criteria provided, single submitter (1 of 4 stars). 3 submissions from 3 submitters: Pathogenic (1). 2 of the submissions do not count toward it.

Conditions:
Structural heart defects and renal anomalies syndrome (SHDRA). Identifiers: Orphanet 689822, MedGen C4479549, MONDO:0044321, OMIM 617478.

Submissions (3):

CENTOGENE GmbH and LLC - Guiding Precision Medicine
Classification: Pathogenic for Structural heart defects and renal anomalies syndrome. Review status: criteria provided, single submitter. Criteria: ACMG Guidelines, 2015. Collection method: clinical testing. Allele origin: germline. Affected: yes.

OMIM
Classification: Pathogenic for STRUCTURAL HEART DEFECTS AND RENAL ANOMALIES SYNDROME. Last evaluated: 2026-01-16. Review status: no assertion criteria provided. Collection method: literature only. Allele origin: germline. Not counted in ClinVar's aggregate classification.

Diagnostic Laboratory, Department of Genetics, University Medical Center Groningen
Classification: Pathogenic for Structural heart defects and renal anomalies syndrome. Last evaluated: 2021-09-08. Review status: no assertion criteria provided. Collection method: clinical testing. Allele origin: inherited. Inheritance: Autosomal recessive inheritance. Affected: yes. Not counted in ClinVar's aggregate classification.
Comment: Truncating mutations of TMEM260 with autosomal recessive inheritance have been reported in multiple families and are associated with exhibited complex congenital heart defects, including atrial and ventricular septal defects (ASDs and VSDs). Tyr567Thrfs*27 was published in a case (Ta-Shma et al 2017) and two further cases (Pagnamenta et al (in press)). Functional studies (Ta-Shma et al 2017) showed reduced levels of only the long isoform, suggesting that the mutation induces nonsense-mediated decay.

Literature cited by the submitters: PubMed 32860008 (cited by CENTOGENE GmbH and LLC - Guiding Precision Medicine); PubMed 28318500 (cited by OMIM); PubMed 34612517 (cited by OMIM).

NM_017799.4(TMEM260):c.1698_1701del (p.Tyr567fs)

Gene: TMEM260 (transmembrane protein 260; plus strand). Cytogenetic location: 14q22.3.
Variant type: Deletion.
Coding change: c.1698_1701del on transcript NM_017799.4 (MANE Select); coding-DNA positions 1698 to 1701, 4 bases deleted (CTAT; older notation c.1698_1701delCTAT).
Protein change: p.Tyr567fs; shifts the reading frame from tyrosine 567.
Molecular consequence: frameshift variant.
Genome position (GRCh38, 1-based): chr14:56,633,145-56,633,148, CTAT deleted; deleting any 4 consecutive bases within chr14:56,633,142-56,633,148 gives the same sequence; the c. name uses the placement nearest the transcript's 3' end. VCF-style (leftmost placement, unchanged base first): chr14-56633141-GTATC-G. GRCh37 (hg19) VCF-style: chr14-57099859-GTATC-G.
Other names: short protein forms Y567fs.
Identifiers: ClinVar variation 426076 (VCV000426076.5), dbSNP rs1085307449, ClinGen allele CA645294076.
Genomic context (GRCh38, chr14:56,633,141, plus strand): 5'-ACAAATTAGTTCCTTTGGAGATTGTATTCAACCCTGAGGAATGGATTAAACTTACAAAAA[GTATC>G]TATAACTGGACCGAAGAATATGGAAGGTATGAACAGCAGTTGTATTTTGATGCATATAAA-3'